The following is an entry in ClinVar:

NM_014236.4(GNPAT):c.697-2A>G

Gene: GNPAT (glyceronephosphate O-acyltransferase; plus strand). Cytogenetic location: 1q42.2.
Variant type: single nucleotide variant.
Coding change: c.697-2A>G on transcript NM_014236.4 (MANE Select); the canonical splice acceptor site of the intron before coding-DNA position 697, A replaced by G.
Molecular consequence: splice acceptor variant.
Genome position (GRCh38, 1-based): chr1:231,265,710, A>G. VCF-style: chr1-231265710-A-G. GRCh37 (hg19) VCF-style: chr1-231401456-A-G.
Other names: c.514-2A>G (NM_001316350.2).
Identifiers: ClinVar variation 2886704 (VCV002886704.3), dbSNP rs759286038, ClinGen allele CA38977781.
Genomic context (GRCh38, chr1:231,265,710, plus strand): 5'-AAGCATTTATCATTTTGAGAGTAGGCAATGGGTTTTGTGTTTTGTTTGTTTTCTCTTTAA[A>G]GAATGGTTATGCTCCTGTTGAATTTTTCCTCGAAGGGACAAGAAGCCGCTCTGCCAAGAC-3'

ClinVar aggregate classification (germline): Likely pathogenic (1 of 4 stars; one submission).

Allele frequency attached by ClinVar (database versions not stated): gnomAD exomes 0.00001.
gnomAD v4.1: 10 of 1,566,536 alleles (0.00064%); highest among the groups gnomAD compares: Non-Finnish European, 0.00088%; no homozygotes.

Submission:

Labcorp Genetics (formerly Invitae), Labcorp
Classification: Likely pathogenic. Last evaluated: 2023-12-13. Review status: criteria provided, single submitter. Criteria: Invitae Variant Classification Sherloc (09022015). Collection method: clinical testing. Allele origin: germline.
Comment: This sequence change affects an acceptor splice site in intron 5 of the GNPAT gene. It is expected to disrupt RNA splicing. Variants that disrupt the donor or acceptor splice site typically lead to a loss of protein function (PMID: 16199547), and loss-of-function variants in GNPAT are known to be pathogenic (PMID: 9536089, 21990100). This variant is not present in population databases (gnomAD no frequency). This variant has not been reported in the literature in individuals affected with GNPAT-related conditions. Algorithms developed to predict the effect of sequence changes on RNA splicing suggest that this variant may disrupt the consensus splice site. In summary, the currently available evidence indicates that the variant is pathogenic, but additional data are needed to prove that conclusively. Therefore, this variant has been classified as Likely Pathogenic.

Literature cited by the submitters: PubMed 16199547; PubMed 9536089; PubMed 21990100.